The following is an entry in ClinVar:

ClinVar aggregate classification (germline): Uncertain significance (1 of 4 stars; one submission).

Conditions:
Singleton-Merten syndrome 1 (SGMRT1). Also called: Widened medullary cavities of bone, aortic calcification, abnormal dentition, and muscular weakness; Syndrome of widened medullary cavities of the metacarpals and phalanges, aortic calcification and abnormal dentition. Identifiers: Orphanet 85191, MedGen C4225427, MONDO:0024535, OMIM 182250.
Aicardi-Goutieres syndrome 7 (AGS7). Identifiers: Orphanet 51, MedGen C3888244, MONDO:0014367, OMIM 615846.

Allele frequency attached by ClinVar (database versions not stated): TOPMed 0.00001.
gnomAD v4.1: 2 of 1,608,358 alleles (0.00012%); highest among the groups gnomAD compares: Non-Finnish European, 0.00017%; no homozygotes.

Submission:

Labcorp Genetics (formerly Invitae), Labcorp
Classification: Uncertain significance for Aicardi-Goutieres syndrome 7; Singleton-Merten syndrome 1. Last evaluated: 2024-05-15. Review status: criteria provided, single submitter. Criteria: Invitae Variant Classification Sherloc (09022015). Collection method: clinical testing. Allele origin: germline.
Comment: This sequence change affects codon 674 of the IFIH1 mRNA. It is a 'silent' change, meaning that it does not change the encoded amino acid sequence of the IFIH1 protein. This variant is not present in population databases (gnomAD no frequency). This variant has not been reported in the literature in individuals affected with IFIH1-related conditions. Algorithms developed to predict the effect of sequence changes on RNA splicing suggest that this variant may disrupt the consensus splice site. In summary, the available evidence is currently insufficient to determine the role of this variant in disease. Therefore, it has been classified as a Variant of Uncertain Significance.

NM_022168.4(IFIH1):c.2022A>G (p.Arg674=)

Gene: IFIH1 (interferon induced with helicase C domain 1; minus strand). Cytogenetic location: 2q24.2.
Variant type: single nucleotide variant.
Coding change: c.2022A>G on transcript NM_022168.4 (MANE Select); coding-DNA position 2022, A replaced by G.
Protein change: p.Arg674=; no amino-acid change (arginine 674 retained).
Molecular consequence: synonymous variant.
Genome position (GRCh38, 1-based): chr2:162,277,437, T>C on the plus strand (A>G on the coding strand, the complement: IFIH1 is on the minus strand). VCF-style: chr2-162277437-T-C. GRCh37 (hg19) VCF-style: chr2-163133947-T-C.
Identifiers: ClinVar variation 2929957 (VCV002929957.3), dbSNP rs1682712933, ClinGen allele CA429724571.